The following is an entry in ClinVar:

ClinVar aggregate classification (germline): Uncertain significance (1 of 4 stars; one submission).

Conditions:
Osteogenesis imperfecta type 8 (OI8). Identifiers: MedGen C1970458, MONDO:0012581, OMIM 610915.

Allele frequency attached by ClinVar (database versions not stated): gnomAD 0.00001 and 0.00003; gnomAD exomes 0.00001 and 0.00002; ExAC 0.00003; 1000 Genomes Project 0.00040; 1000 Genomes Project 30x 0.00047.
gnomAD v4.1: 14 of 1,614,168 alleles (0.00087%); highest among the groups gnomAD compares: South Asian, 0.0066%; no homozygotes.

Submission:

Labcorp Genetics (formerly Invitae), Labcorp
Classification: Uncertain significance for Osteogenesis imperfecta type 8. Last evaluated: 2022-09-06. Review status: criteria provided, single submitter. Criteria: Invitae Variant Classification Sherloc (09022015). Collection method: clinical testing. Allele origin: germline.
Comment: This sequence change replaces arginine, which is basic and polar, with cysteine, which is neutral and slightly polar, at codon 359 of the P3H1 protein (p.Arg359Cys). This variant is present in population databases (rs548639069, gnomAD 0.01%). This variant has not been reported in the literature in individuals affected with P3H1-related conditions. ClinVar contains an entry for this variant (Variation ID: 1518625). Algorithms developed to predict the effect of missense changes on protein structure and function (SIFT, PolyPhen-2, Align-GVGD) all suggest that this variant is likely to be disruptive. In summary, the available evidence is currently insufficient to determine the role of this variant in disease. Therefore, it has been classified as a Variant of Uncertain Significance.

NM_022356.4(P3H1):c.1075C>T (p.Arg359Cys)

Gene: P3H1 (prolyl 3-hydroxylase 1; minus strand). Cytogenetic location: 1p34.2.
Variant type: single nucleotide variant.
Coding change: c.1075C>T on transcript NM_022356.4 (MANE Select); coding-DNA position 1075, C replaced by T.
Protein change: p.Arg359Cys; replaces arginine 359 with cysteine.
Molecular consequence: missense variant.
Genome position (GRCh38, 1-based): chr1:42,757,788, G>A on the plus strand (C>T on the coding strand, the complement: P3H1 is on the minus strand). VCF-style: chr1-42757788-G-A. GRCh37 (hg19) VCF-style: chr1-43223459-G-A.
Other names: c.1075C>T, p.Arg359Cys (NM_001146289.2, NM_001243246.2); short protein forms R359C.
Identifiers: ClinVar variation 1518625 (VCV001518625.3), dbSNP rs548639069, ClinGen allele CA801990.
Genomic context (GRCh38, chr1:42,757,788, plus strand): 5'-CGCCCTCAGGTCTGAGTTCAGCTGGCAGCTGTCATAACAGAAGGAAGTCTCTCACCTCAC[G>A]GGGGCCGATGGATCTGGTGTGTTCTTCTCCAAGCATAGCTGCATAATAGGCCAAATTTTG-3'
Protein context (NP_071751.3, residues 349-369): GEEHTRSIGP[Arg359Cys]ESAKEYRQRS